The following is an entry in ClinVar:

ClinVar aggregate classification (germline): Uncertain significance. Review status: criteria provided, multiple submitters, no conflicts (2 of 4 stars). 3 submissions from 3 submitters: Uncertain significance (3). Last evaluated 2024-06-11.

Conditions:
Anemia, congenital dyserythropoietic, type 1a (CDAN1A). Also called: DYSERYTHROPOIETIC ANEMIA, CONGENITAL, TYPE Ia; CDAN1-Related Congenital Dyserythropoietic Anemia. Identifiers: MedGen C5574667, MONDO:0009135, OMIM 224120.

Allele frequency attached by ClinVar (database versions not stated): gnomAD exomes below 0.00001; gnomAD 0.00001; TOPMed 0.00001.
gnomAD v4.1: 8 of 1,597,158 alleles (0.0005%); highest among the groups gnomAD compares: Admixed American, 0.0017%; no homozygotes.

Submissions (3):

ARUP Laboratories, Molecular Genetics and Genomics, ARUP Laboratories
Classification: Uncertain significance for Anemia, congenital dyserythropoietic, type 1a. Last evaluated: 2024-06-11. Review status: criteria provided, single submitter. Criteria: ARUP Molecular Germline Variant Investigation Process 2024. Collection method: clinical testing. Allele origin: germline.

Mayo Clinic Laboratories, Mayo Clinic
Classification: Uncertain significance. Last evaluated: 2022-12-30. Review status: criteria provided, single submitter. Criteria: ACMG Guidelines, 2015. Collection method: clinical testing. Allele origin: germline. Observed: 2 variant alleles.
Comment: PM2

Revvity Omics, Revvity
Classification: Uncertain significance for Anemia, congenital dyserythropoietic, type 1a. Last evaluated: 2022-01-24. Review status: criteria provided, single submitter. Criteria: ACMG Guidelines, 2015. Collection method: clinical testing. Allele origin: germline.

NM_138477.4(CDAN1):c.3119G>A (p.Gly1040Glu)

Gene: CDAN1 (codanin 1; minus strand). Cytogenetic location: 15q15.2.
Variant type: single nucleotide variant.
Coding change: c.3119G>A on transcript NM_138477.4 (MANE Select); coding-DNA position 3119, G replaced by A.
Protein change: p.Gly1040Glu; replaces glycine 1040 with glutamic acid.
Molecular consequence: missense variant.
Genome position (GRCh38, 1-based): chr15:42,726,395, C>T on the plus strand (G>A on the coding strand, the complement: CDAN1 is on the minus strand). VCF-style: chr15-42726395-C-T. GRCh37 (hg19) VCF-style: chr15-43018593-C-T.
Other names: p.Gly1040Glu; c.3119G>A (NM_138477.2); short protein forms G1040E.
Identifiers: ClinVar variation 2439843 (VCV002439843.5), dbSNP rs1412116591, ClinGen allele CA392031548.